The following is an entry in ClinVar:

ClinVar aggregate classification (germline): Uncertain significance (1 of 4 stars; one submission).

Conditions:
Cardiovascular phenotype. Identifiers: MedGen CN230736.

Submission:

Ambry Genetics
Classification: Uncertain significance for Cardiovascular phenotype. Last evaluated: 2026-08-04. Review status: criteria provided, single submitter. Criteria: Ambry Variant Classification Scheme 2023. Collection method: clinical testing. Allele origin: germline.
Comment: The c.136C>A (p.Q46K) alteration is located in exon 3 (coding exon 2) of the APOA5 gene. This alteration results from a C to A substitution at nucleotide position 136, causing the glutamine (Q) at amino acid position 46 to be replaced by a lysine (K). Based on data from gnomAD, the A allele has an overall frequency of <0.001% (1/238894) total alleles studied. The highest observed frequency was 0.001% (1/107226) of European (non-Finnish) alleles. Based on insufficient or conflicting evidence, the clinical significance of this alteration remains unclear.

NM_001371904.1(APOA5):c.136C>A (p.Gln46Lys)

Genes: APOA5 (apolipoprotein A5; minus strand), LOC108491825 (enhancer-blocking element 11-1-2 overlapping APOA5; plus strand). Cytogenetic location: 11q23.3.
Variant type: single nucleotide variant.
Coding change: c.136C>A on transcript NM_001371904.1 (MANE Select); coding-DNA position 136, C replaced by A.
Protein change: p.Gln46Lys; replaces glutamine 46 with lysine.
Molecular consequence: missense variant.
Genome position (GRCh38, 1-based): chr11:116,791,611, G>T on the plus strand (C>A on the coding strand, the complement: APOA5 is on the minus strand). VCF-style: chr11-116791611-G-T. GRCh37 (hg19) VCF-style: chr11-116662327-G-T.
Other names: c.136C>A, p.Gln46Lys (NM_001166598.2, NM_052968.5); short protein forms Q46K.
Identifiers: ClinVar variation 5026540 (VCV005026540.1).
Genomic context (GRCh38, chr11:116,791,611, plus strand): 5'-TCCCTTCGCCTACACCCCTTCCCCTGGGCACTCACGCGGGCTCGCGAGCCATCTTCTGCT[G>T]ATGGATCTGCTCCACCCTGCCTTTGTCCCCGCTGGTCTGGCTGAAGTAGTCCCAGAAGCC-3'
Protein context (NP_001358833.1, residues 36-56): GDKGRVEQIH[Gln46Lys]QKMAREPATL